The following is an entry in ClinVar:

NM_001081.4(CUBN):c.5927-1G>A

Gene: CUBN (cubilin; minus strand). Cytogenetic location: 10p13.
Variant type: single nucleotide variant.
Coding change: c.5927-1G>A on transcript NM_001081.4 (MANE Select); the canonical splice acceptor site of the intron before coding-DNA position 5927, G replaced by A.
Molecular consequence: splice acceptor variant.
Genome position (GRCh38, 1-based): chr10:16,933,285, C>T on the plus strand (G>A on the coding strand, the complement: CUBN is on the minus strand). VCF-style: chr10-16933285-C-T. GRCh37 (hg19) VCF-style: chr10-16975284-C-T.
Identifiers: ClinVar variation 3235177 (VCV003235177.1), dbSNP rs2491510569.

ClinVar aggregate classification (germline): Likely pathogenic (1 of 4 stars; one submission).

Conditions:
Imerslund-Grasbeck syndrome type 1 (IGS1). Also called: Megaloblastic anemia 1, Finnish type; MEGALOBLASTIC ANEMIA, 1; Imerslund-Gräsbeck syndrome 1. Identifiers: MedGen C4016819, MONDO:0100156, OMIM 261100.

Allele frequency attached by ClinVar (database versions not stated): gnomAD exomes below 0.00001.
gnomAD v4.1: 2 of 1,613,168 alleles (0.00012%); highest among the groups gnomAD compares: South Asian, 0.0011%; no homozygotes.

Submission:

MVZ Medizinische Genetik Mainz
Classification: Likely pathogenic for Imerslund-Grasbeck syndrome type 1. Last evaluated: 2022-06-30. Review status: criteria provided, single submitter. Criteria: UK Practice Guidelines For Variant Classification V4 01 2020. Collection method: clinical testing. Allele origin: germline. Inheritance: Autosomal recessive inheritance. Affected: yes. Observed: 1 variant allele.
Comment: ACMG Criteria: PVS1, PM2_SUP